The following is an entry in ClinVar:

NM_182914.3(SYNE2):c.15216G>A (p.Met5072Ile)

Gene: SYNE2 (spectrin repeat containing nuclear envelope protein 2; plus strand). Cytogenetic location: 14q23.2.
Variant type: single nucleotide variant.
Coding change: c.15216G>A on transcript NM_182914.3 (MANE Select); coding-DNA position 15216, G replaced by A.
Protein change: p.Met5072Ile; replaces methionine 5072 with isoleucine.
Molecular consequence: missense variant.
Genome position (GRCh38, 1-based): chr14:64,141,998, G>A. VCF-style: chr14-64141998-G-A. GRCh37 (hg19) VCF-style: chr14-64608716-G-A.
Other names: c.15216G>A, p.Met5072Ile (NM_015180.6); short protein forms M5072I.
Identifiers: ClinVar variation 3017329 (VCV003017329.3), dbSNP rs2549375646, ClinGen allele CA389942910.
Genomic context (GRCh38, chr14:64,141,998, plus strand): 5'-ACAGCTTCAAATGGAGAAATTGCCGTCTCGTAAAGCAATCACAGAAATGATTAGCTGGAT[G>A]AACAATGTGGAGCATCAAACTTCAGATGAAGACTCCGTGCATTCACCAAGTTCTGCATCT-3'
Protein context (NP_878918.2, residues 5062-5082): RKAITEMISW[Met5072Ile]NNVEHQTSDE

ClinVar aggregate classification (germline): Uncertain significance (1 of 4 stars; one submission).

Conditions:
Emery-Dreifuss muscular dystrophy 5, autosomal dominant (EDMD5). Also called: EMERY-DREIFUSS MUSCULAR DYSTROPHY 5. Identifiers: Orphanet 261, MedGen C2751805, MONDO:0013072, OMIM 612999.

Allele frequency attached by ClinVar (database versions not stated): gnomAD exomes below 0.00001.
gnomAD v4.1: 1 of 1,614,130 alleles (0.000062%); highest among the groups gnomAD compares: South Asian, 0.0011%; no homozygotes.

Submission:

Labcorp Genetics (formerly Invitae), Labcorp
Classification: Uncertain significance for Emery-Dreifuss muscular dystrophy 5, autosomal dominant. Last evaluated: 2023-09-03. Review status: criteria provided, single submitter. Criteria: Invitae Variant Classification Sherloc (09022015). Collection method: clinical testing. Allele origin: germline.
Comment: This variant is not present in population databases (gnomAD no frequency). This sequence change replaces methionine, which is neutral and non-polar, with isoleucine, which is neutral and non-polar, at codon 5072 of the SYNE2 protein (p.Met5072Ile). This variant has not been reported in the literature in individuals affected with SYNE2-related conditions. In summary, the available evidence is currently insufficient to determine the role of this variant in disease. Therefore, it has been classified as a Variant of Uncertain Significance. An algorithm developed to predict the effect of missense changes on protein structure and function (PolyPhen-2) suggests that this variant is likely to be disruptive.